The following is an entry in ClinVar:

ClinVar aggregate classification (germline): Uncertain significance (1 of 4 stars; one submission).

gnomAD v4.1: 4 of 1,559,990 alleles (0.00026%); highest among the groups gnomAD compares: African/African-American, 0.0014%; no homozygotes.

Submission:

Labcorp Genetics (formerly Invitae), Labcorp
Classification: Uncertain significance. Last evaluated: 2024-11-29. Review status: criteria provided, single submitter. Criteria: Invitae Variant Classification Sherloc (09022015). Collection method: clinical testing. Allele origin: germline.
Comment: This sequence change replaces alanine, which is neutral and non-polar, with threonine, which is neutral and polar, at codon 3415 of the HSPG2 protein (p.Ala3415Thr). The frequency data for this variant in the population databases is considered unreliable, as metrics indicate poor data quality at this position in the gnomAD database. This variant has not been reported in the literature in individuals affected with HSPG2-related conditions. An algorithm developed to predict the effect of missense changes on protein structure and function (PolyPhen-2) suggests that this variant is likely to be tolerated. In summary, the available evidence is currently insufficient to determine the role of this variant in disease. Therefore, it has been classified as a Variant of Uncertain Significance.

NM_005529.7(HSPG2):c.10243G>A (p.Ala3415Thr)

Gene: HSPG2 (heparan sulfate proteoglycan 2; minus strand). Cytogenetic location: 1p36.12.
Variant type: single nucleotide variant.
Coding change: c.10243G>A on transcript NM_005529.7 (MANE Select); coding-DNA position 10243, G replaced by A.
Protein change: p.Ala3415Thr; replaces alanine 3415 with threonine.
Molecular consequence: missense variant.
Genome position (GRCh38, 1-based): chr1:21,836,914, C>T on the plus strand (G>A on the coding strand, the complement: HSPG2 is on the minus strand). VCF-style: chr1-21836914-C-T. GRCh37 (hg19) VCF-style: chr1-22163407-C-T.
Other names: c.10246G>A, p.Ala3416Thr (NM_001291860.2); short protein forms A3415T, A3416T.
Identifiers: ClinVar variation 3607204 (VCV003607204.2).